The following is an entry in ClinVar:

NM_005751.5(AKAP9):c.29T>C (p.Leu10Pro)

Genes: AKAP9 (A-kinase anchoring protein 9; plus strand), LOC129998788 (ATAC-STARR-seq lymphoblastoid active region 26256; plus strand). Cytogenetic location: 7q21.2.
Variant type: single nucleotide variant.
Coding change: c.29T>C on transcript NM_005751.5 (MANE Select); coding-DNA position 29, T replaced by C.
Protein change: p.Leu10Pro; replaces leucine 10 with proline.
Molecular consequence: missense variant.
Genome position (GRCh38, 1-based): chr7:91,941,128, T>C. VCF-style: chr7-91941128-T-C. GRCh37 (hg19) VCF-style: chr7-91570442-T-C.
Other names: c.29T>C, p.Leu10Pro (NM_147185.3); short protein forms L10P.
Identifiers: ClinVar variation 1350389 (VCV001350389.8), dbSNP rs2130422781, ClinGen allele CA368119115.

ClinVar aggregate classification (germline): Uncertain significance (1 of 4 stars; one submission).

Conditions:
Long QT syndrome (LQTS). Identifiers: MedGen C0023976, MeSH D008133, MONDO:0002442. Disease mechanism: loss of function. Inheritance: Various modes of inheritance.

Submission:

Labcorp Genetics (formerly Invitae), Labcorp
Classification: Uncertain significance for Long QT syndrome. Last evaluated: 2022-03-03. Review status: criteria provided, single submitter. Criteria: Invitae Variant Classification Sherloc (09022015). Collection method: clinical testing. Allele origin: germline.
Comment: In summary, the available evidence is currently insufficient to determine the role of this variant in disease. Therefore, it has been classified as a Variant of Uncertain Significance. Algorithms developed to predict the effect of missense changes on protein structure and function are either unavailable or do not agree on the potential impact of this missense change (SIFT: "Deleterious"; PolyPhen-2: "Probably Damaging"; Align-GVGD: "Class C0"). This variant has not been reported in the literature in individuals affected with AKAP9-related conditions. This variant is not present in population databases (gnomAD no frequency). This sequence change replaces leucine, which is neutral and non-polar, with proline, which is neutral and non-polar, at codon 10 of the AKAP9 protein (p.Leu10Pro).